The following is an entry in ClinVar:

NM_015692.5(CPAMD8):c.2070+1G>A

Gene: CPAMD8 (C3 and PZP like alpha-2-macroglobulin domain containing 8; minus strand). Cytogenetic location: 19p13.11.
Variant type: single nucleotide variant.
Coding change: c.2070+1G>A on transcript NM_015692.5 (MANE Select); the canonical splice donor site of the intron after coding-DNA position 2070, G replaced by A.
Molecular consequence: splice donor variant. On other transcripts: non-coding transcript variant (1).
Genome position (GRCh38, 1-based): chr19:16,975,096, C>T on the plus strand (G>A on the coding strand, the complement: CPAMD8 is on the minus strand). VCF-style: chr19-16975096-C-T. GRCh37 (hg19) VCF-style: chr19-17085906-C-T.
Identifiers: ClinVar variation 1324164 (VCV001324164.6), dbSNP rs374939930, ClinGen allele CA9285464.

ClinVar aggregate classification (germline): Conflicting classifications of pathogenicity. Review status: criteria provided, conflicting classifications (1 of 4 stars). 3 submissions from 3 submitters: Pathogenic (1); Likely pathogenic (1); Uncertain significance (1). Last evaluated 2026-03-24.

Conditions:
Anterior segment dysgenesis 8 (ASGD8). Identifiers: Orphanet 519388, MedGen C4310622, MONDO:0015017, OMIM 617319.

Allele frequency attached by ClinVar (database versions not stated): gnomAD 0.00002; TOPMed 0.00001; ESP Exome Variant Server 0.00008; ExAC 0.00005.
gnomAD v4.1: 111 of 1,611,336 alleles (0.0069%); highest among the groups gnomAD compares: South Asian, 0.0088%; no homozygotes.

Submissions (4):

GeneDx
Classification: Uncertain significance. Last evaluated: 2026-03-24. Review status: criteria provided, single submitter. Criteria: GeneDx Variant Classification Process June 2021. Collection method: clinical testing. Allele origin: germline.
Comment: Canonical splice site variant predicted to result in an in-frame loss of the adjacent exon in a gene for which loss of function is a known mechanism of disease; Has not been previously published as pathogenic or benign to our knowledge

3billion
Classification: Pathogenic for Anterior segment dysgenesis 8. Last evaluated: 2024-09-29. Review status: criteria provided, single submitter. Criteria: ACMG Guidelines, 2015. Collection method: clinical testing. Allele origin: germline. Affected: yes.
Comment: The variant is observed at an extremely low frequency in the gnomAD v4.1.0 dataset (total allele frequency: 0.007%). Predicted Consequence/Location: Canonical splice site: predicted to alter splicing and result in a loss or disruption of normal protein function. Multiple pathogenic loss-of-function variants are reported downstream of the variant. In silico tools predict the variant to alter splicing and produce an abnormal transcript [SpliceAI: 0.85 (spliceogenicity >=0.2, non-spliceogenicity <0.1)]. The variant has been reported to be associated with CPAMD8 related disorder (ClinVar ID: VCV001324164). Therefore, this variant is classified as Pathogenic according to the recommendation of ACMG/AMP guideline.

Labcorp Genetics (formerly Invitae), Labcorp
Classification: Likely pathogenic. Last evaluated: 2022-06-28. Review status: criteria provided, single submitter. Criteria: Invitae Variant Classification Sherloc (09022015). Collection method: clinical testing. Allele origin: germline.
Comment: This sequence change affects a donor splice site in intron 17 of the CPAMD8 gene. It is expected to disrupt RNA splicing. Variants that disrupt the donor or acceptor splice site typically lead to a loss of protein function (PMID: 16199547), and loss-of-function variants in CPAMD8 are known to be pathogenic (PMID: 27839872, 29556725). This variant is present in population databases (rs374939930, gnomAD 0.007%). This variant has not been reported in the literature in individuals affected with CPAMD8-related conditions. ClinVar contains an entry for this variant (Variation ID: 1324164). Algorithms developed to predict the effect of sequence changes on RNA splicing suggest that this variant may disrupt the consensus splice site. In summary, the currently available evidence indicates that the variant is pathogenic, but additional data are needed to prove that conclusively. Therefore, this variant has been classified as Likely Pathogenic.

Dr. Peter K. Rogan Lab, Western University
No classification provided (evidence only). Condition: Familial cancer of breast. Review status: no classification provided. Collection method: in vitro. Allele origin: not applicable. Functional consequence: retained intron. Not counted in ClinVar's aggregate classification.

Literature cited by the submitters: PubMed 16199547 (cited by Labcorp Genetics (formerly Invitae), Labcorp); PubMed 27839872 (cited by Labcorp Genetics (formerly Invitae), Labcorp); PubMed 29556725 (cited by Labcorp Genetics (formerly Invitae), Labcorp).